The following is an entry in ClinVar:

ClinVar aggregate classification (germline): Pathogenic (0 of 4 stars; one submission).

Conditions:
Steinert myotonic dystrophy syndrome (DM1). Also called: STEINERT DISEASE; Myotonic dystrophy type 1; Dystrophia myotonica type 1; Steinert myotonic dystrophy; Steinert's disease. Identifiers: Orphanet 273, MedGen C3250443, MONDO:0008056, OMIM 160900.

Submission:

Institute of Molecular, Cell and Systems Biology, University of Glasgow
Classification: Pathogenic for Steinert myotonic dystrophy syndrome. Review status: no assertion criteria provided. Criteria: research. Collection method: research. Allele origin: germline. Inheritance: Autosomal dominant inheritance. Affected: yes. Observed: 1 heterozygote.
Comment: DMPK CTG repeat expansions greater than approximately 45-50 repeats are assumed to be pathogenic

This record is based on data published in PubMed 25052313, which reports only ClinVar accessions SCV000120188 and SCV000120189. The complete data set includes SCV000207445 - SCV000207579.

Literature cited by the submitters: PubMed 1346923; PubMed 1546326; PubMed 25052313.

NM_004409.5(DMPK):c.*224CTG[758]

Genes: DM1-AS (DM1 locus antisense RNA; plus strand), DMPK (DM1 protein kinase; minus strand), LOC107075317 (origin of replication in DMPK trinucleotide repeat region; plus strand), LOC109461477 (dystrophia myotonica protein kinase repeat instability region; plus strand). Cytogenetic location: 19q13.32.
Variant type: Microsatellite.
Coding change: c.*224CTG[758] on transcript NM_004409.5 (MANE Select); 758 copies in a row of the 3-base unit CTG starting at c.*224.
Molecular consequence: 3 prime UTR variant.
Genome position: GRCh38, VCF-style position (the base before the change): chr19:45,770,204. GRCh37 (hg19), VCF-style position (the base before the change): chr19:46,273,462.
Other names: DM1 CTG repeat expansion; c.*217CTG[758] (NM_001424162.1, NM_001424163.1, NM_001424166.1 and 2 more transcripts); c.*369CTG[758] (NM_001424164.1, NM_001424168.1, NM_001288766.2); c.*224CTG[758] (NM_001424165.1, NM_001424169.1, NM_001081560.3 and 1 more transcripts); c.*222_*224TGC[758] (NM_001081563.3).
Identifiers: ClinVar variation 188028 (VCV000188028.1), ClinGen allele CA915951857.